The following is an entry in ClinVar:

NM_012463.4(ATP6V0A2):c.1852A>G (p.Arg618Gly)

Genes: ATP6V0A2 (ATPase H+ transporting V0 subunit a2; plus strand), LOC126861666 (CDK7 strongly-dependent group 2 enhancer GRCh37_chr12:124232793-124233992; plus strand). Cytogenetic location: 12q24.31.
Variant type: single nucleotide variant.
Coding change: c.1852A>G on transcript NM_012463.4 (MANE Select); coding-DNA position 1852, A replaced by G.
Protein change: p.Arg618Gly; replaces arginine 618 with glycine.
Molecular consequence: missense variant.
Genome position (GRCh38, 1-based): chr12:123,748,702, A>G. VCF-style: chr12-123748702-A-G. GRCh37 (hg19) VCF-style: chr12-124233249-A-G.
Other names: short protein forms R618G.
Identifiers: ClinVar variation 373570 (VCV000373570.1), dbSNP rs1057518488, ClinGen allele CA16042888.

ClinVar aggregate classification (germline): Uncertain significance (1 of 4 stars; one submission).

Submission:

GeneDx
Classification: Uncertain significance. Last evaluated: 2016-12-01. Review status: criteria provided, single submitter. Criteria: GeneDx Variant Classification (06012015). Collection method: clinical testing. Allele origin: germline. Affected: yes.
Comment: A variant of uncertain significance has been identified in the ATP6V0A2 gene. The R618G variant has not been published as a pathogenic variant, nor has it been reported as a benign variant to our knowledge. It was not observed in approximately 6,500 individuals of European and African American ancestry in the NHLBI Exome Sequencing Project, indicating it is not a common benign variant in these populations. The R618G variant is a non-conservative amino acid substitution, which is likely to impact secondary protein structure as these residues differ in polarity, charge, size and/or other properties. This substitution occurs at a position that is conserved in mammals, and in silico analysis predicts this variant is probably damaging to the protein structure/function. Based on the currently available information, it is unclear whether this variant is a pathogenic variant or a rare benign variant.